The following is an entry in ClinVar:

ClinVar aggregate classification (germline): Conflicting classifications of pathogenicity. Review status: criteria provided, conflicting classifications (1 of 4 stars). 3 submissions from 3 submitters: Likely pathogenic (1); Uncertain significance (2). Last evaluated 2023-06-29.

Conditions:
DYRK1A-related intellectual disability syndrome (MRD7). Also called: Intellectual developmental disorder, autosomal dominant 7; DYRK1A Syndrome. Identifiers: Orphanet 464306, MedGen C5568143, MONDO:0013578, OMIM 614104.

Submissions (3):

Labcorp Genetics (formerly Invitae), Labcorp
Classification: Uncertain significance for DYRK1A-related intellectual disability syndrome. Last evaluated: 2023-06-29. Review status: criteria provided, single submitter. Criteria: Invitae Variant Classification Sherloc (09022015). Collection method: clinical testing. Allele origin: germline.
Comment: In summary, the available evidence is currently insufficient to determine the role of this variant in disease. Therefore, it has been classified as a Variant of Uncertain Significance. Advanced modeling of protein sequence and biophysical properties (such as structural, functional, and spatial information, amino acid conservation, physicochemical variation, residue mobility, and thermodynamic stability) performed at Invitae indicates that this missense variant is expected to disrupt DYRK1A protein function. ClinVar contains an entry for this variant (Variation ID: 996276). This missense change has been observed in individual(s) with intellectual disability (PMID: 33753861). This variant is not present in population databases (gnomAD no frequency). This sequence change replaces aspartic acid, which is acidic and polar, with glycine, which is neutral and non-polar, at codon 343 of the DYRK1A protein (p.Asp343Gly).

GeneDx
Classification: Likely pathogenic. Last evaluated: 2022-08-09. Review status: criteria provided, single submitter. Criteria: GeneDx Variant Classification Process June 2021. Collection method: clinical testing. Allele origin: germline. Affected: yes.
Comment: Observed in individual with autism; however, no further clinical information was provided (Chen et al., 2021); Not observed at significant frequency in large population cohorts (gnomAD); In silico analysis supports that this missense variant has a deleterious effect on protein structure/function; This variant is associated with the following publications: (PMID: 33753861)

Women's Health and Genetics/Laboratory Corporation of America, LabCorp
Classification: Uncertain significance. Last evaluated: 2021-01-20. Review status: criteria provided, single submitter. Criteria: LabCorp Variant Classification Summary - May 2015. Collection method: clinical testing. Allele origin: germline.
Comment: Variant summary: DYRK1A c.1028A>G (p.Asp343Gly) results in a non-conservative amino acid change located in the Protein kinase domain (IPR000719) of the encoded protein sequence. Five of five in-silico tools predict a damaging effect of the variant on protein function. The variant was absent in 251408 control chromosomes (gnomAD). The available data on variant occurrences in the general population are insufficient to allow any conclusion about variant significance. To our knowledge, no occurrence of c.1028A>G in individuals affected with Mental Retardation, Autosomal Dominant 7 and no experimental evidence demonstrating its impact on protein function have been reported. No clinical diagnostic laboratories have submitted clinical-significance assessments for this variant to ClinVar after 2014. Based on the evidence outlined above, the variant was classified as uncertain significance.

Literature cited by the submitters: PubMed 33753861 (cited by Labcorp Genetics (formerly Invitae), Labcorp).

NM_001347721.2(DYRK1A):c.1001A>G (p.Asp334Gly)

Gene: DYRK1A (dual specificity tyrosine phosphorylation regulated kinase 1A; plus strand). Cytogenetic location: 21q22.13.
Variant type: single nucleotide variant.
Coding change: c.1001A>G on transcript NM_001347721.2 (MANE Select); coding-DNA position 1001, A replaced by G.
Protein change: p.Asp334Gly; replaces aspartic acid 334 with glycine.
Molecular consequence: missense variant.
Genome position (GRCh38, 1-based): chr21:37,493,093, A>G. VCF-style: chr21-37493093-A-G. GRCh37 (hg19) VCF-style: chr21-38865395-A-G.
Other names: c.1028A>G (NM_001396.3); c.1001A>G, p.Asp334Gly (NM_001347722.2, NM_130436.2); c.914A>G, p.Asp305Gly (NM_001347723.2); c.1028A>G, p.Asp343Gly (NM_001396.5, NM_101395.2, NM_130438.2); short protein forms D305G, D334G, D343G.
Identifiers: ClinVar variation 996276 (VCV000996276.5), dbSNP rs1601280230, ClinGen allele CA409936530.